The following is an entry in ClinVar:

NM_005591.4(MRE11):c.504G>C (p.Leu168Phe)

Gene: MRE11 (MRE11 double strand break repair nuclease; minus strand). Cytogenetic location: 11q21.
Variant type: single nucleotide variant.
Coding change: c.504G>C on transcript NM_005591.4 (MANE Select); coding-DNA position 504, G replaced by C.
Protein change: p.Leu168Phe; replaces leucine 168 with phenylalanine.
Molecular consequence: missense variant.
Genome position (GRCh38, 1-based): chr11:94,478,775, C>G on the plus strand (G>C on the coding strand, the complement: MRE11 is on the minus strand). VCF-style: chr11-94478775-C-G. GRCh37 (hg19) VCF-style: chr11-94211941-C-G.
Other names: c.504G>C, p.Leu168Phe (NM_001330347.2, NM_005590.4); short protein forms L168F.
Identifiers: ClinVar variation 3874330 (VCV003874330.1).

ClinVar aggregate classification (germline): Uncertain significance (1 of 4 stars; one submission).

Conditions:
Hereditary cancer-predisposing syndrome. Also called: Tumor predisposition; Neoplastic Syndromes, Hereditary; Hereditary Cancer Syndrome; Hereditary neoplastic syndrome. Identifiers: Orphanet 140162, MedGen C0027672, MeSH D009386, MONDO:0015356.

Submission:

Ambry Genetics
Classification: Uncertain significance for Hereditary cancer-predisposing syndrome. Last evaluated: 2025-01-21. Review status: criteria provided, single submitter. Criteria: Ambry Variant Classification Scheme 2023. Collection method: clinical testing. Allele origin: germline.
Comment: The p.L168F variant (also known as c.504G>C), located in coding exon 5 of the MRE11A gene, results from a G to C substitution at nucleotide position 504. The leucine at codon 168 is replaced by phenylalanine, an amino acid with highly similar properties. This amino acid position is conserved. In addition, this alteration is predicted to be deleterious by in silico analysis. Based on the available evidence, the clinical significance of this variant remains unclear.